The following is an entry in ClinVar:

Conditions:
Breast-ovarian cancer, familial, susceptibility to, 1 (BROVCA1). Also called: BRCA1 Hereditary Breast and Ovarian Cancer; OVARIAN CANCER, SUSCEPTIBILITY TO. Identifiers: Orphanet 145, MedGen C2676676, MONDO:0011450, OMIM 604370. Disease mechanism: loss of function.

gnomAD v4.1: 3 of 1,606,502 alleles (0.00019%); highest among the groups gnomAD compares: Non-Finnish European, 0.00017%; no homozygotes.

Submission:

Brotman Baty Institute, University of Washington
No classification provided (evidence only). Condition: Breast-ovarian cancer, familial 1. Review status: no classification provided. Collection method: in vitro. Allele origin: not applicable. Functional consequence: functionally_normal.
ClinVar note: "not provided" was previously submitted as the classification for the variant. However, the classification appeared to be based only on an observation of functional data so it was converted to no classification on 2025-07-30.

NM_007294.4(BRCA1):c.5278-22C>G

Gene: BRCA1 (BRCA1 DNA repair associated; minus strand). Cytogenetic location: 17q21.31.
Variant type: single nucleotide variant.
Coding change: c.5278-22C>G on transcript NM_007294.4 (MANE Select); 22 bases into the intron before coding-DNA position 5278, C replaced by G.
Molecular consequence: intron variant.
Genome position (GRCh38, 1-based): chr17:43,051,139, G>C on the plus strand (C>G on the coding strand, the complement: BRCA1 is on the minus strand). VCF-style: chr17-43051139-G-C. GRCh37 (hg19) VCF-style: chr17-41203156-G-C.
Other names: c.1825-22C>G (NM_001408458.1, NM_001408461.1, NM_001408464.1 and 7 more transcripts); c.4387-22C>G (NM_001407967.1); c.4897-22C>G (NM_001407959.1); c.5011-22C>G (NM_001407931.1, NM_001407932.1, NM_001407928.1 and 4 more transcripts); c.5134-22C>G (NM_001407747.1, NM_001407745.1, NM_001407737.1 and 21 more transcripts); c.4894-22C>G (NM_001407962.1, NM_001407960.1); c.1465-22C>G (NM_001408512.1); c.1588-22C>G (NM_001408510.1); and 74 more.
Identifiers: ClinVar variation 868262 (VCV000868262.3), dbSNP rs185646848, ClinGen allele CA054376.